The following is an entry in ClinVar:

ClinVar aggregate classification (germline): Uncertain significance (1 of 4 stars; one submission).

Conditions:
Familial cancer of breast. Also called: BREAST CANCER, FAMILIAL; Hereditary breast cancer; hereditary breast carcinoma. Identifiers: Orphanet 227535, MedGen C0346153, MONDO:0016419, OMIM 114480. Disease mechanism: loss of function.

gnomAD v4.1: 5 of 1,614,198 alleles (0.00031%); highest among the groups gnomAD compares: South Asian, 0.0044%; no homozygotes.

Submission:

Labcorp Genetics (formerly Invitae), Labcorp
Classification: Uncertain significance for Familial cancer of breast. Last evaluated: 2021-12-13. Review status: criteria provided, single submitter. Criteria: Invitae Variant Classification Sherloc (09022015). Collection method: clinical testing. Allele origin: germline.
Comment: In summary, the available evidence is currently insufficient to determine the role of this variant in disease. Therefore, it has been classified as a Variant of Uncertain Significance. Algorithms developed to predict the effect of missense changes on protein structure and function output the following: SIFT: "Tolerated"; PolyPhen-2: "Benign"; Align-GVGD: "Class C0". The cysteine amino acid residue is found in multiple mammalian species, which suggests that this missense change does not adversely affect protein function. This variant has not been reported in the literature in individuals affected with BARD1-related conditions. This variant is not present in population databases (gnomAD no frequency). This sequence change replaces tyrosine, which is neutral and polar, with cysteine, which is neutral and slightly polar, at codon 745 of the BARD1 protein (p.Tyr745Cys).

NM_000465.4(BARD1):c.2234A>G (p.Tyr745Cys)

Gene: BARD1 (BRCA1 associated RING domain 1; minus strand). Cytogenetic location: 2q35.
Variant type: single nucleotide variant.
Coding change: c.2234A>G on transcript NM_000465.4 (MANE Select); coding-DNA position 2234, A replaced by G.
Protein change: p.Tyr745Cys; replaces tyrosine 745 with cysteine.
Molecular consequence: missense variant. On other transcripts: non-coding transcript variant (3).
Genome position (GRCh38, 1-based): chr2:214,728,776, T>C on the plus strand (A>G on the coding strand, the complement: BARD1 is on the minus strand). VCF-style: chr2-214728776-T-C. GRCh37 (hg19) VCF-style: chr2-215593500-T-C.
Other names: c.2177A>G, p.Tyr726Cys (NM_001282543.2); c.881A>G, p.Tyr294Cys (NM_001282545.2); c.824A>G, p.Tyr275Cys (NM_001282548.2); c.695A>G, p.Tyr232Cys (NM_001282549.2); short protein forms Y275C, Y745C, Y232C, Y726C, Y294C.
Identifiers: ClinVar variation 1970563 (VCV001970563.5), dbSNP rs1692201900, ClinGen allele CA350450066.